The following is an entry in ClinVar:

ClinVar aggregate classification (germline): Uncertain significance (1 of 4 stars; one submission).

Conditions:
UTP4-related disorder. Also called: UTP4-related condition.

gnomAD v4.1: 28 of 1,614,006 alleles (0.0017%); highest among the groups gnomAD compares: Non-Finnish European, 0.002%; no homozygotes.

Submission:

PreventionGenetics, part of Exact Sciences
Classification: Uncertain significance for UTP4-related condition. Last evaluated: 2026-06-05. Review status: criteria provided, single submitter. Criteria: ACMG Guidelines, 2015. Collection method: clinical testing. Allele origin: germline.
Comment: The UTP4 c.113G>A variant is predicted to result in the amino acid substitution p.Gly38Asp. To our knowledge, this variant has not been reported in the literature. This variant is reported in 0.0018% of alleles in individuals of European (Non-Finnish) descent in gnomAD. At this time, the clinical significance of this variant is uncertain due to the absence of conclusive functional and genetic evidence.

NM_032830.3(UTP4):c.113G>A (p.Gly38Asp)

Gene: UTP4 (UTP4 small subunit processome component). Cytogenetic location: 16q22.1.
Variant type: single nucleotide variant.
Coding change: c.113G>A on transcript NM_032830.3 (MANE Select); coding-DNA position 113, G replaced by A.
Protein change: p.Gly38Asp; replaces glycine 38 with aspartic acid.
Molecular consequence: missense variant. On other transcripts: 5 prime UTR variant (1).
Genome position (GRCh38, 1-based): chr16:69,133,572, G>A. VCF-style: chr16-69133572-G-A. GRCh37 (hg19) VCF-style: chr16-69167475-G-A.
Other names: c.-137G>A (NM_001318391.2); short protein forms G38D.
Identifiers: ClinVar variation 4986537 (VCV004986537.1).